The following is an entry in ClinVar:

NM_001130987.2(DYSF):c.460+2T>G

Gene: DYSF (dysferlin; plus strand). Cytogenetic location: 2p13.2.
Variant type: single nucleotide variant.
Coding change: c.460+2T>G on transcript NM_001130987.2 (MANE Select); the canonical splice donor site of the intron after coding-DNA position 460, T replaced by G.
Molecular consequence: splice donor variant.
Genome position (GRCh38, 1-based): chr2:71,511,923, T>G. VCF-style: chr2-71511923-T-G. GRCh37 (hg19) VCF-style: chr2-71739053-T-G.
Other names: c.457+2T>G (NM_003494.4, NM_001130977.2, NM_001130976.2 and 4 more transcripts); c.460+2T>G (NM_001130982.2, NM_001130985.2, NM_001130983.2 and 3 more transcripts).
Identifiers: ClinVar variation 281140 (VCV000281140.9), dbSNP rs750356247, ClinGen allele CA1705352.
Genomic context (GRCh38, chr2:71,511,923, plus strand): 5'-CCCGCCCCCTACTCCTCTGGAGCCCTCCCCGACTCTGCCTGACCTGGATGTAGTGGCAGG[T>G]GGGTAGCCCACGTTGGCCTGGCTGGGCCCCAGCAAGAAGGCCGGCAGTGGCACTTGAGCC-3'

ClinVar aggregate classification (germline): Pathogenic. Review status: reviewed by expert panel (3 of 4 stars). 4 submissions from 4 submitters: Pathogenic (1). 3 of the submissions do not count toward it. Last evaluated 2026-01-08.

Conditions:
Autosomal recessive limb-girdle muscular dystrophy type 2B (LGMDR2). Also called: MUSCULAR DYSTROPHY, LIMB-GIRDLE, TYPE 3; Limb-Girdle Muscular Dystrophy Type 2B (LGMD2B); MUSCULAR DYSTROPHY, LIMB-GIRDLE, AUTOSOMAL RECESSIVE 2; Limb-girdle muscular dystrophy, type 2B. Identifiers: Orphanet 268, MedGen C1850889, MONDO:0009676, OMIM 253601.
Autosomal recessive limb-girdle muscular dystrophy. Identifiers: Orphanet 102015, MedGen C2931907, MONDO:0015152.
Miyoshi muscular dystrophy 1 (MMD1). Identifiers: Orphanet 45448, MedGen C4551973, MONDO:0024545, OMIM 254130.
Distal myopathy with anterior tibial onset. Identifiers: Orphanet 178400, MedGen C1847532, MONDO:0011721, OMIM 606768.

Allele frequency attached by ClinVar (database versions not stated): ExAC 0.03614.

Submissions (8):

ClinGen Limb Girdle Muscular Dystrophy Variant Curation Expert Panel, ClinGen
Classification: Pathogenic for Autosomal recessive limb-girdle muscular dystrophy. Last evaluated: 2026-01-08. Review status: reviewed by expert panel. Criteria: ClinGen LGMD VCEP ACMG Specifications DYSF V2.0.0. Collection method: curation. Allele origin: germline. Inheritance: Autosomal recessive inheritance.
Comment: The NM_003494.4: c.457+2T>G variant in DYSF, which is also known as NM_001130987.2: c.460+2T>G, occurs within the canonical splice donor site of intron 5. SpliceAI gives a delta score of 0.99 for loss of the canonical donor. It is predicted to cause skipping of biologically relevant exon 5/55, resulting in a frameshift leading to nonsense mediated decay in a gene in which loss of function is an established disease mechanism. Transcript analysis also confirmed skipping of exon 5 (PMID: 16100712; PVS1_RNA). This variant has been identified in three individuals with LGMD (PMID: 16100712, 17698709, 30564623, LOVD individual #00219460), including in unknown phase with a pathogenic variant (c.2875C>T p.(Arg959Trp), 0.5 pts, PMID: 16100712) and in a homozygous state in a second individual (0.5 pts, PMID 17698709) (PM3). At least one of these patients with a second presumed diagnostic DYSF variant and a clinical diagnosis of LGMD displayed reduced dysferlin protein expression, which is highly specific for DYSF-associated LGMD (PMID: 16100712; PP4_Strong). This variant failed filters in gnomAD v2.1.1 and v4.1.0; therefore, frequency information cannot be assessed accurately (PM2_Supporting and BS1 not met). In summary, this variant meets the criteria to be classified as Pathogenic for autosomal recessive limb girdle muscular dystrophy based on the ACMG/AMP criteria applied, as specified by the ClinGen LGMD VCEP (LGMD VCEP specifications version 2.0.0; 01/08/2026): PVS1_RNA, PM3, PP4_Strong.

Fulgent Genetics
Classification: Likely pathogenic for Autosomal recessive limb-girdle muscular dystrophy type 2B; Miyoshi muscular dystrophy 1; Distal myopathy with anterior tibial onset. Last evaluated: 2024-05-25. Review status: criteria provided, single submitter. Criteria: ACMG Guidelines, 2015. Collection method: clinical testing. Allele origin: germline. Not counted in ClinVar's aggregate classification.

Mendelics
Classification: Benign for Autosomal recessive limb-girdle muscular dystrophy type 2B. Last evaluated: 2019-05-28. Review status: criteria provided, single submitter. Criteria: Mendelics Assertion Criteria 2017. Collection method: clinical testing. Allele origin: unknown. Not counted in ClinVar's aggregate classification.

Eurofins Ntd Llc (ga)
Classification: Benign. Last evaluated: 2016-01-22. Review status: criteria provided, single submitter. Criteria: EGL Classification Definitions 2015. Collection method: clinical testing. Allele origin: germline. Observed: 16 variant alleles. Not counted in ClinVar's aggregate classification.

Dr. Peter K. Rogan Lab, Western University
No classification provided (evidence only). Condition: Familial cancer of breast. Review status: no classification provided. Collection method: in vitro. Allele origin: not applicable. Functional consequence: retained intron. Not counted in ClinVar's aggregate classification.

Dr. Peter K. Rogan Lab, Western University
No classification provided (evidence only). Condition: Acute myeloid leukemia. Review status: no classification provided. Collection method: in vitro. Allele origin: not applicable. Functional consequence: retained intron. Not counted in ClinVar's aggregate classification.

Dr. Peter K. Rogan Lab, Western University
No classification provided (evidence only). Condition: Nonpapillary renal cell carcinoma. Review status: no classification provided. Collection method: in vitro. Allele origin: not applicable. Functional consequence: retained intron. Not counted in ClinVar's aggregate classification.

Dr. Peter K. Rogan Lab, Western University
No classification provided (evidence only). Condition: Familial pancreatic carcinoma. Review status: no classification provided. Collection method: in vitro. Allele origin: not applicable. Functional consequence: retained intron. Not counted in ClinVar's aggregate classification.